The following is an entry in ClinVar:

ClinVar aggregate classification (germline): Likely pathogenic (1 of 4 stars; one submission).

Conditions:
Glycogen storage disease type III (GSD3). Also called: Cori disease; FORBES DISEASE. Identifiers: Orphanet 366, MedGen C0017922, MONDO:0009291, OMIM 232400.

Submission:

Myriad Genetics, Inc.
Classification: Likely pathogenic for Glycogen storage disease type III. Last evaluated: 2019-01-26. Review status: criteria provided, single submitter. Criteria: Myriad Women's Health Autosomal Recessive and X-Linked Classification Criteria (2019). Collection method: clinical testing. Allele origin: unknown.
Comment: NM_000642.2(AGL):c.867G>A(W289*) is expected to be pathogenic in the context of glycogen storage disease type III. This variant is predicted to lead to an abnormal or absent protein product due to the creation of a premature termination codon in AGL, a gene where loss-of-function variants are known to be pathogenic. Please note: this variant was assessed in the context of healthy population screening.

NM_000642.3(AGL):c.867G>A (p.Trp289Ter)

Gene: AGL (amylo-alpha-1,6-glucosidase and 4-alpha-glucanotransferase; plus strand). Cytogenetic location: 1p21.2.
Variant type: single nucleotide variant.
Coding change: c.867G>A on transcript NM_000642.3 (MANE Select); coding-DNA position 867, G replaced by A.
Protein change: p.Trp289Ter; replaces tryptophan 289 with a stop codon.
Molecular consequence: nonsense.
Genome position (GRCh38, 1-based): chr1:99,870,778, G>A. VCF-style: chr1-99870778-G-A. GRCh37 (hg19) VCF-style: chr1-100336334-G-A.
Other names: c.867G>A, p.Trp289Ter (NM_000028.3, NM_000643.3, NM_000644.3 and 3 more transcripts); c.819G>A, p.Trp273Ter (NM_000646.3); c.663G>A, p.Trp221Ter (NM_001425328.1, NM_001425329.1); c.489G>A, p.Trp163Ter (NM_001425332.1); short protein forms W273*, W289*, W163*, W221*.
Identifiers: ClinVar variation 984152 (VCV000984152.3), dbSNP rs1650926061, ClinGen allele CA341341157.